The following is an entry in ClinVar:

ClinVar aggregate classification (germline): Uncertain significance (1 of 4 stars; one submission).

Submission:

Labcorp Genetics (formerly Invitae), Labcorp
Classification: Uncertain significance. Last evaluated: 2024-03-21. Review status: criteria provided, single submitter. Criteria: Invitae Variant Classification Sherloc (09022015). Collection method: clinical testing. Allele origin: germline.
Comment: This sequence change replaces leucine, which is neutral and non-polar, with phenylalanine, which is neutral and non-polar, at codon 92 of the POLR1A protein (p.Leu92Phe). This variant is not present in population databases (gnomAD no frequency). This variant has not been reported in the literature in individuals affected with POLR1A-related conditions. Advanced modeling of protein sequence and biophysical properties (such as structural, functional, and spatial information, amino acid conservation, physicochemical variation, residue mobility, and thermodynamic stability) performed at Invitae indicates that this missense variant is not expected to disrupt POLR1A protein function with a negative predictive value of 80%. In summary, the available evidence is currently insufficient to determine the role of this variant in disease. Therefore, it has been classified as a Variant of Uncertain Significance.

NM_015425.6(POLR1A):c.274C>T (p.Leu92Phe)

Gene: POLR1A (RNA polymerase I subunit A; minus strand). Cytogenetic location: 2p11.2.
Variant type: single nucleotide variant.
Coding change: c.274C>T on transcript NM_015425.6 (MANE Select); coding-DNA position 274, C replaced by T.
Protein change: p.Leu92Phe; replaces leucine 92 with phenylalanine.
Molecular consequence: missense variant.
Genome position (GRCh38, 1-based): chr2:86,099,976, G>A on the plus strand (C>T on the coding strand, the complement: POLR1A is on the minus strand). VCF-style: chr2-86099976-G-A. GRCh37 (hg19) VCF-style: chr2-86327099-G-A.
Other names: short protein forms L92F.
Identifiers: ClinVar variation 3647214 (VCV003647214.2).